The following is an entry in ClinVar:

NM_002473.6(MYH9):c.1294C>T (p.Arg432Cys)

Gene: MYH9 (myosin heavy chain 9; minus strand). Cytogenetic location: 22q12.3.
Variant type: single nucleotide variant.
Coding change: c.1294C>T on transcript NM_002473.6 (MANE Select); coding-DNA position 1294, C replaced by T.
Protein change: p.Arg432Cys; replaces arginine 432 with cysteine.
Molecular consequence: missense variant.
Genome position (GRCh38, 1-based): chr22:36,316,603, G>A on the plus strand (C>T on the coding strand, the complement: MYH9 is on the minus strand). VCF-style: chr22-36316603-G-A. GRCh37 (hg19) VCF-style: chr22-36712648-G-A.
Other names: short protein forms R432C.
Identifiers: ClinVar variation 3675947 (VCV003675947.2).
Genomic context (GRCh38, chr22:36,316,603, plus strand): 5'-CCAGGATCCCGATGAAGGAGGCGCCCTGCCTCTTGGTCTTGTCCAGAGCCTTGTTGATGC[G>A]CAGCACCAGCCAGCGGAACATCCGCTCATAGGTCGCCTTGGCCAAGGCCTCGATGGCAAA-3'
Protein context (NP_002464.1, residues 422-442): YERMFRWLVL[Arg432Cys]INKALDKTKR

ClinVar aggregate classification (germline): Uncertain significance (1 of 4 stars; one submission).

gnomAD v4.1: 2 of 1,614,058 alleles (0.00012%); highest among the groups gnomAD compares: Non-Finnish European, 0.00017%; no homozygotes.

Submission:

Labcorp Genetics (formerly Invitae), Labcorp
Classification: Uncertain significance. Last evaluated: 2025-12-15. Review status: criteria provided, single submitter. Criteria: Invitae Variant Classification Sherloc (09022015). Collection method: clinical testing. Allele origin: germline.
Comment: This sequence change replaces arginine, which is basic and polar, with cysteine, which is neutral and slightly polar, at codon 432 of the MYH9 protein (p.Arg432Cys). This variant is not present in population databases (gnomAD no frequency). This variant has not been reported in the literature in individuals affected with MYH9-related conditions. ClinVar contains an entry for this variant (Variation ID: 3675947). Invitae Evidence Modeling of protein sequence and biophysical properties (such as structural, functional, and spatial information, amino acid conservation, physicochemical variation, residue mobility, and thermodynamic stability) has been performed for this missense variant. However, the output from this modeling did not meet the statistical confidence thresholds required to predict the impact of this variant on MYH9 protein function. In summary, the available evidence is currently insufficient to determine the role of this variant in disease. Therefore, it has been classified as a Variant of Uncertain Significance.